The following is an entry in ClinVar:

NM_000059.4(BRCA2):c.2399G>T (p.Gly800Val)

Gene: BRCA2 (BRCA2 DNA repair associated; plus strand). Cytogenetic location: 13q13.1.
Variant type: single nucleotide variant.
Coding change: c.2399G>T on transcript NM_000059.4 (MANE Select); coding-DNA position 2399, G replaced by T.
Protein change: p.Gly800Val; replaces glycine 800 with valine.
Molecular consequence: missense variant.
Genome position (GRCh38, 1-based): chr13:32,336,754, G>T. VCF-style: chr13-32336754-G-T. GRCh37 (hg19) VCF-style: chr13-32910891-G-T.
Other names: short protein forms G800V.
Identifiers: ClinVar variation 51275 (VCV000051275.7), dbSNP rs276174821, ClinGen allele CA015127.

ClinVar aggregate classification (germline): Conflicting classifications of pathogenicity. Review status: criteria provided, conflicting classifications (1 of 4 stars). 3 submissions from 3 submitters: Uncertain significance (1); Likely benign (1). 1 of the submissions does not count toward it. Last evaluated 2023-08-28.

Conditions:
Hereditary cancer-predisposing syndrome. Also called: Neoplastic Syndromes, Hereditary; Tumor predisposition; Hereditary Cancer Syndrome; Hereditary neoplastic syndrome. Identifiers: Orphanet 140162, MedGen C0027672, MeSH D009386, MONDO:0015356.
Hereditary breast ovarian cancer syndrome. Also called: Hereditary breast and ovarian cancer syndrome; Hereditary breast and ovarian cancer; Hereditary breast and ovarian cancer syndrome (HBOC); Breast and ovarian cancer; Hereditary breast and/or ovarian cancer syndrome; BRCA1- and BRCA2-Associated Hereditary Breast and Ovarian Cancer. Identifiers: Orphanet 145, MedGen C0677776, MeSH D061325, MONDO:0003582. Disease mechanism: loss of function.
Breast-ovarian cancer, familial, susceptibility to, 2 (BROVCA2). Also called: BRCA2 Hereditary Breast and Ovarian Cancer. Identifiers: Orphanet 145, MedGen C2675520, MONDO:0012933, OMIM 612555. Disease mechanism: loss of function.

gnomAD v4.1: 2 of 1,613,332 alleles (0.00012%); highest among the groups gnomAD compares: Non-Finnish European, 0.00017%; no homozygotes.

Submissions (3):

Labcorp Genetics (formerly Invitae), Labcorp
Classification: Uncertain significance for Hereditary breast ovarian cancer syndrome. Last evaluated: 2023-08-28. Review status: criteria provided, single submitter. Criteria: Invitae Variant Classification Sherloc (09022015). Collection method: clinical testing. Allele origin: germline.
Comment: ClinVar contains an entry for this variant (Variation ID: 51275). In summary, the available evidence is currently insufficient to determine the role of this variant in disease. Therefore, it has been classified as a Variant of Uncertain Significance. Advanced modeling of protein sequence and biophysical properties (such as structural, functional, and spatial information, amino acid conservation, physicochemical variation, residue mobility, and thermodynamic stability) performed at Invitae indicates that this missense variant is not expected to disrupt BRCA2 protein function. This variant has not been reported in the literature in individuals affected with BRCA2-related conditions. This variant is not present in population databases (gnomAD no frequency). This sequence change replaces glycine, which is neutral and non-polar, with valine, which is neutral and non-polar, at codon 800 of the BRCA2 protein (p.Gly800Val).

University of Washington Department of Laboratory Medicine, University of Washington
Classification: Likely benign for Hereditary cancer-predisposing syndrome. Last evaluated: 2023-03-23. Review status: criteria provided, single submitter. Criteria: Dines et al. (Genet Med. 2020). Collection method: curation. Allele origin: germline.
Comment: Missense variant in a coldspot region where missense variants are very unlikely to be pathogenic (PMID:31911673).

BRCA2 exon 11 coldspot. Reclassification based on statistical prior probability.

Breast Cancer Information Core (BIC) (BRCA2)
Classification: Uncertain significance for Breast-ovarian cancer, familial 2. Last evaluated: 2010-09-18. Review status: no assertion criteria provided. Collection method: clinical testing. Allele origin: germline. Affected: yes. Observed: 1 variant allele. Not counted in ClinVar's aggregate classification.